The following is an entry in ClinVar:

NM_020719.3(PRR12):c.3396G>C (p.Pro1132=)

Gene: PRR12 (proline rich 12; plus strand). Cytogenetic location: 19q13.33.
Variant type: single nucleotide variant.
Coding change: c.3396G>C on transcript NM_020719.3 (MANE Select); coding-DNA position 3396, G replaced by C.
Protein change: p.Pro1132=; no amino-acid change (proline 1132 retained).
Molecular consequence: synonymous variant.
Genome position (GRCh38, 1-based): chr19:49,597,731, G>C. VCF-style: chr19-49597731-G-C. GRCh37 (hg19) VCF-style: chr19-50100988-G-C.
Identifiers: ClinVar variation 4989973 (VCV004989973.1).

ClinVar aggregate classification (germline): Likely benign (1 of 4 stars; one submission).

Conditions:
PRR12-related disorder. Also called: PRR12-related condition.

gnomAD v4.1: 103 of 1,608,202 alleles (0.0064%); highest among the groups gnomAD compares: South Asian, 0.11%; 1 homozygote.

Submission:

PreventionGenetics, part of Exact Sciences
Classification: Likely benign for PRR12-related condition. Last evaluated: 2025-06-25. Review status: criteria provided, single submitter. Criteria: ACMG Guidelines, 2015. Collection method: clinical testing. Allele origin: germline.
Comment: This variant is classified as likely benign based on ACMG/AMP sequence variant interpretation guidelines (Richards et al. 2015 PMID: 25741868, with internal and published modifications).